The following is an entry in ClinVar:

ClinVar aggregate classification (germline): Likely benign. Review status: criteria provided, single submitter (1 of 4 stars). 2 submissions from 2 submitters: Likely benign (1). 1 of the submissions does not count toward it. Last evaluated 2025-03-31.

Conditions:
GALNT2-related disorder. Also called: GALNT2-related condition.

Allele frequency attached by ClinVar (database versions not stated): gnomAD exomes 0.00015; ExAC 0.00028; 1000 Genomes Project 0.00080; 1000 Genomes Project 30x 0.00062; TOPMed 0.00019; gnomAD 0.00020.
gnomAD v4.1: 247 of 1,613,556 alleles (0.015%); highest among the groups gnomAD compares: East Asian, 0.46%; no homozygotes.

Submissions (2):

Labcorp Genetics (formerly Invitae), Labcorp
Classification: Likely benign. Last evaluated: 2025-03-31. Review status: criteria provided, single submitter. Criteria: Invitae Variant Classification Sherloc (09022015). Collection method: clinical testing. Allele origin: germline.

PreventionGenetics, part of Exact Sciences
Classification: Likely benign for GALNT2-related condition. Last evaluated: 2022-04-01. Review status: no assertion criteria provided. Collection method: clinical testing. Allele origin: germline. Not counted in ClinVar's aggregate classification.
Comment: This variant is classified as likely benign based on ACMG/AMP sequence variant interpretation guidelines (Richards et al. 2015 PMID: 25741868, with internal and published modifications).

NM_004481.5(GALNT2):c.1560+5G>A

Gene: GALNT2 (polypeptide N-acetylgalactosaminyltransferase 2; plus strand). Cytogenetic location: 1q42.13.
Variant type: single nucleotide variant.
Coding change: c.1560+5G>A on transcript NM_004481.5 (MANE Select); 5 bases into the intron after coding-DNA position 1560, G replaced by A.
Molecular consequence: intron variant.
Genome position (GRCh38, 1-based): chr1:230,274,569, G>A. VCF-style: chr1-230274569-G-A. GRCh37 (hg19) VCF-style: chr1-230410315-G-A.
Other names: c.1560+5G>A (NM_004481.4); c.1446+5G>A (NM_001291866.2).
Identifiers: ClinVar variation 2767530 (VCV002767530.5), dbSNP rs200837962, ClinGen allele CA1446549.